The following is an entry in ClinVar:

ClinVar aggregate classification (germline): Pathogenic (1 of 4 stars; one submission).

Conditions:
Neuronal ceroid lipofuscinosis 1 (CLN1). Also called: CEROID LIPOFUSCINOSIS, NEURONAL, 1, VARIABLE AGE AT ONSET; PPT1-Related Neuronal Ceroid-Lipofuscinosis. Identifiers: Orphanet 228329, MedGen C1850451, MONDO:0009744, OMIM 256730.

Submission:

Labcorp Genetics (formerly Invitae), Labcorp
Classification: Pathogenic for Neuronal ceroid lipofuscinosis 1. Last evaluated: 2020-10-07. Review status: criteria provided, single submitter. Criteria: Invitae Variant Classification Sherloc (09022015). Collection method: clinical testing. Allele origin: germline.
Comment: For these reasons, this variant has been classified as Pathogenic. This variant has not been reported in the literature in individuals with PPT1-related conditions. This variant is a gross deletion of the genomic region encompassing exon(s) 1-5 of the PPT1 gene, which includes the initiator codon. The 5' end of this event is unknown as it extends beyond the assayed region for this gene and therefore may encompass additional genes. The 3' boundary is likely confined to intron 5 of the PPT1 gene. It is expected to result in an absent or disrupted protein product. Loss-of-function variants in PPT1 are known to be pathogenic (PMID: 10679943, 21990111).

Literature cited by the submitters: PubMed 10679943; PubMed 21990111.

NC_000001.11:g.(?_40089400)_(40097248_?)del

Gene: PPT1 (palmitoyl-protein thioesterase 1; minus strand). Cytogenetic location: 1p34.2.
Variant type: Deletion.
Identifiers: ClinVar variation 831860 (VCV000831860.5).